The following is an entry in ClinVar:

NM_003172.4(SURF1):c.587A>G (p.Gln196Arg)

Gene: SURF1 (SURF1 cytochrome c oxidase assembly factor; minus strand). Cytogenetic location: 9q34.2.
Variant type: single nucleotide variant.
Coding change: c.587A>G on transcript NM_003172.4 (MANE Select); coding-DNA position 587, A replaced by G.
Protein change: p.Gln196Arg; replaces glutamine 196 with arginine.
Molecular consequence: missense variant.
Genome position (GRCh38, 1-based): chr9:133,352,695, T>C on the plus strand (A>G on the coding strand, the complement: SURF1 is on the minus strand). VCF-style: chr9-133352695-T-C. GRCh37 (hg19) VCF-style: chr9-136219550-T-C.
Other names: c.260A>G, p.Gln87Arg (NM_001280787.1); short protein forms Q196R, Q87R.
Identifiers: ClinVar variation 3254788 (VCV003254788.2), dbSNP rs2490616670.

ClinVar aggregate classification (germline): Likely pathogenic (1 of 4 stars; one submission).

Conditions:
Mitochondrial complex IV deficiency, nuclear type 1 (MC4DN1). Also called: COX DEFICIENCY; Mitochondrial complex IV deficiency; Complex 4 mitochondrial respiratory chain deficiency; Deficiency of mitochondrial respiratory chain complex4; Complex IV deficiency. Identifiers: MedGen C5435656, MONDO:0700250, OMIM 220110. Disease mechanism: loss of function.

Submission:

Victorian Clinical Genetics Services, Murdoch Childrens Research Institute
Classification: Likely pathogenic for Mitochondrial complex IV deficiency, nuclear type 1. Last evaluated: 2023-07-17. Review status: criteria provided, single submitter. Criteria: ACMG Guidelines, 2015. Collection method: clinical testing. Allele origin: germline. Inheritance: Autosomal recessive inheritance. Affected: yes.
Comment: Based on the classification scheme VCGS_Germline_v1.3.4, this variant is classified as Likely pathogenic. Following criteria are met: 0102 - Loss of function is a known mechanism of disease in this gene and is associated with mitochondrial complex IV deficiency, nuclear type 1 (MIM#220110) and Charcot-Marie-Tooth disease, type 4K (MIM#616684). (I) 0106 - This gene is associated with autosomal recessive disease. (I) 0200 - Variant is predicted to result in a missense amino acid change from glutamine to arginine. (I) 0251 - This variant is heterozygous. (I) 0301 - Variant is absent from gnomAD (both v2 and v3). (SP) 0502 - Missense variant with conflicting in silico predictions and uninformative conservation. (I) 0600 - Variant is located in the annotated SURF1 family domain (DECIPHER). (I) 0705 - No comparable missense variants have previous evidence for pathogenicity. (I) 0807 - This variant has no previous evidence of pathogenicity. (I) 0905 - No published segregation evidence has been identified for this variant. (I) 1007 - No published functional evidence has been identified for this variant. (I) 1201 - Heterozygous variant detected in trans with a second pathogenic heterozygous variant (NM_003172.3(SURF1):c.312_321delinsAT; p.(Leu105Ter)) in a recessive disease. (SP) 0115 - Variants in this gene are known to have variable expressivity. Variable features and clinical severity have been reported for Leigh syndrome (OMIM; PMIDs: 23829769, 29933018). (I) Legend: (SP) - Supporting pathogenic, (I) - Information, (SB) - Supporting benign

Literature cited by the submitters: PubMed 23829769; PubMed 29933018.